The following is an entry in ClinVar:

NM_002661.5(PLCG2):c.3650A>G (p.Tyr1217Cys)

Gene: PLCG2 (phospholipase C gamma 2; plus strand). Cytogenetic location: 16q23.3.
Variant type: single nucleotide variant.
Coding change: c.3650A>G on transcript NM_002661.5 (MANE Select); coding-DNA position 3650, A replaced by G.
Protein change: p.Tyr1217Cys; replaces tyrosine 1217 with cysteine.
Molecular consequence: missense variant.
Genome position (GRCh38, 1-based): chr16:81,956,774, A>G. VCF-style: chr16-81956774-A-G. GRCh37 (hg19) VCF-style: chr16-81990379-A-G.
Other names: p.Tyr1217Cys; short protein forms Y1217C.
Identifiers: ClinVar variation 845350 (VCV000845350.12), dbSNP rs373013824, ClinGen allele CA8194796.

ClinVar aggregate classification (germline): Uncertain significance. Review status: criteria provided, multiple submitters, no conflicts (2 of 4 stars). 3 submissions from 3 submitters: Uncertain significance (3). Last evaluated 2023-07-25.

Conditions:
Familial cold autoinflammatory syndrome 3 (FCAS3). Also called: FAMILIAL ATYPICAL COLD URTICARIA; ANTIBODY DEFICIENCY AND IMMUNE DYSREGULATION, PLCG2-ASSOCIATED. Identifiers: Orphanet 300359, MedGen C3280914, MONDO:0013766, OMIM 614468.
Autoinflammation-PLCG2-associated antibody deficiency-immune dysregulation. Also called: Autoinflammation, antibody deficiency, and immune dysregulation, plcg2-associated; AUTOINFLAMMATION, ANTIBODY DEFICIENCY, AND IMMUNE DYSREGULATION; Autoinflammation, antibody deficiency, and immune dysregulation syndrome. Identifiers: Orphanet 324530, MedGen C3553961, MONDO:0013944, OMIM 614878.

Allele frequency attached by ClinVar (database versions not stated): gnomAD exomes 0.00001 and 0.00002; ExAC 0.00002; gnomAD 0.00003; TOPMed 0.00003; ESP Exome Variant Server 0.00008.
gnomAD v4.1: 36 of 1,614,062 alleles (0.0022%); highest among the groups gnomAD compares: Non-Finnish European, 0.0026%; no homozygotes.

Submissions (3):

Labcorp Genetics (formerly Invitae), Labcorp
Classification: Uncertain significance for Familial cold autoinflammatory syndrome 3. Last evaluated: 2023-07-25. Review status: criteria provided, single submitter. Criteria: Invitae Variant Classification Sherloc (09022015). Collection method: clinical testing. Allele origin: germline.
Comment: ClinVar contains an entry for this variant (Variation ID: 845350). An algorithm developed to predict the effect of missense changes on protein structure and function (PolyPhen-2) suggests that this variant is likely to be disruptive. In summary, the available evidence is currently insufficient to determine the role of this variant in disease. Therefore, it has been classified as a Variant of Uncertain Significance. This variant has not been reported in the literature in individuals affected with PLCG2-related conditions. This sequence change replaces tyrosine, which is neutral and polar, with cysteine, which is neutral and slightly polar, at codon 1217 of the PLCG2 protein (p.Tyr1217Cys). This variant is present in population databases (rs373013824, gnomAD 0.004%).

Fulgent Genetics
Classification: Uncertain significance for Familial cold autoinflammatory syndrome 3; Autoinflammation-PLCG2-associated antibody deficiency-immune dysregulation. Last evaluated: 2021-12-15. Review status: criteria provided, single submitter. Criteria: ACMG Guidelines, 2015. Collection method: clinical testing. Allele origin: unknown.

Mayo Clinic Laboratories, Mayo Clinic
Classification: Uncertain significance. Last evaluated: 2021-11-11. Review status: criteria provided, single submitter. Criteria: ACMG Guidelines, 2015. Collection method: clinical testing. Allele origin: germline.